The following is an entry in ClinVar:

NM_000540.3(RYR1):c.13566dup (p.Lys4523fs)

Gene: RYR1 (ryanodine receptor 1; plus strand). Cytogenetic location: 19q13.2.
Variant type: Duplication.
Coding change: c.13566dup on transcript NM_000540.3 (MANE Select); coding-DNA position 13566, one base duplicated (C; older notation c.13566dupC).
Protein change: p.Lys4523fs; shifts the reading frame from lysine 4523.
Molecular consequence: frameshift variant.
Genome position (GRCh38, 1-based): chr19:38,567,824, C duplicated; the last of 6 consecutive C bases (chr19:38,567,819-38,567,824); duplicating any one gives the same sequence. VCF-style (leftmost placement, unchanged base first): chr19-38567818-G-GC. GRCh37 (hg19) VCF-style: chr19-39058458-G-GC.
Other names: c.13551dup, p.Lys4518fs (NM_001042723.2); short protein forms K4518fs, K4523fs.
Identifiers: ClinVar variation 3631079 (VCV003631079.2).
Genomic context (GRCh38, chr19:38,567,818, plus strand): 5'-TGTCCTGCCCTGCAGTGCCGAGAATGGGGAGAAGGAAGAAGTTCCCGAGCCCACACCAGA[G>GC]CCCCCCAAGAAGCAAGCACCTCCCTCACCCCCTCCAAAGAAGGAGGAAGCTGGAGGCGAA-3'

ClinVar aggregate classification (germline): Pathogenic (1 of 4 stars; one submission).

Conditions:
RYR1-related disorder. Also called: RYR1-related condition; RYR1-related disorders. Identifiers: MedGen CN239331.

Submission:

Labcorp Genetics (formerly Invitae), Labcorp
Classification: Pathogenic for RYR1-related disorder. Last evaluated: 2024-02-17. Review status: criteria provided, single submitter. Criteria: Invitae Variant Classification Sherloc (09022015). Collection method: clinical testing. Allele origin: germline.
Comment: This sequence change creates a premature translational stop signal (p.Lys4523Glnfs*60) in the RYR1 gene. It is expected to result in an absent or disrupted protein product. Loss-of-function variants in RYR1 are known to be pathogenic (PMID: 23919265, 25960145, 28818389, 30611313). This variant is not present in population databases (gnomAD no frequency). This variant has not been reported in the literature in individuals affected with RYR1-related conditions. For these reasons, this variant has been classified as Pathogenic.

Literature cited by the submitters: PubMed 23919265; PubMed 25960145; PubMed 28818389; PubMed 30611313.